The following is an entry in ClinVar:

ClinVar aggregate classification (germline): Likely benign (1 of 4 stars; one submission).

Conditions:
Familial cancer of breast. Also called: hereditary breast carcinoma; Hereditary breast cancer; BREAST CANCER, FAMILIAL. Identifiers: Orphanet 227535, MedGen C0346153, MONDO:0016419, OMIM 114480. Disease mechanism: loss of function.

Submission:

Myriad Genetics, Inc.
Classification: Likely benign for Familial cancer of breast. Last evaluated: 2024-08-26. Review status: criteria provided, single submitter. Criteria: Myriad Autosomal Dominant, Autosomal Recessive and X-Linked Classification Criteria (2023). Collection method: clinical testing. Allele origin: unknown.
Comment: This variant is considered likely benign. This variant is intronic and is not expected to impact mRNA splicing.

NM_032043.3(BRIP1):c.1141-7C>T

Gene: BRIP1 (BRCA1 interacting DNA helicase 1; minus strand). Cytogenetic location: 17q23.2.
Variant type: single nucleotide variant.
Coding change: c.1141-7C>T on transcript NM_032043.3 (MANE Select); 7 bases into the intron before coding-DNA position 1141, C replaced by T.
Molecular consequence: intron variant.
Genome position (GRCh38, 1-based): chr17:61,799,306, G>A on the plus strand (C>T on the coding strand, the complement: BRIP1 is on the minus strand). VCF-style: chr17-61799306-G-A. GRCh37 (hg19) VCF-style: chr17-59876667-G-A.
Identifiers: ClinVar variation 3379298 (VCV003379298.1).